The following is an entry in ClinVar:

NM_001384732.1(CPLANE1):c.2539G>T (p.Val847Phe)

Gene: CPLANE1 (ciliogenesis and planar polarity effector complex subunit 1; minus strand). Cytogenetic location: 5p13.2.
Variant type: single nucleotide variant.
Coding change: c.2539G>T on transcript NM_001384732.1 (MANE Select); coding-DNA position 2539, G replaced by T.
Protein change: p.Val847Phe; replaces valine 847 with phenylalanine.
Molecular consequence: missense variant.
Genome position (GRCh38, 1-based): chr5:37,224,295, C>A on the plus strand (G>T on the coding strand, the complement: CPLANE1 is on the minus strand). VCF-style: chr5-37224295-C-A. GRCh37 (hg19) VCF-style: chr5-37224397-C-A.
Other names: c.2539G>T, p.Val847Phe (NM_023073.4); short protein forms V847F.
Identifiers: ClinVar variation 2573660 (VCV002573660.1), dbSNP rs1426431422, ClinGen allele CA359492120.
Genomic context (GRCh38, chr5:37,224,295, plus strand): 5'-TTTTTAACACTCTCTTACCTTTCTCTTCGATTTCTTGTAGAGCTTTTTTCCACAGCTGAA[C>A]AGACTTTTCATATGATCCTAATAAAAAACATTCTTCCCCTAGAAAGTTTTTAACCAACAA-3'
Protein context (NP_001371661.1, residues 837-857): CFLLGSYEKS[Val847Phe]QLWKKALQEI

ClinVar aggregate classification (germline): Uncertain significance (1 of 4 stars; one submission).

Allele frequency attached by ClinVar (database versions not stated): gnomAD exomes below 0.00001; TOPMed below 0.00001.
gnomAD v4.1: 5 of 1,549,694 alleles (0.00032%); highest among the groups gnomAD compares: Non-Finnish European, 0.00044%; no homozygotes.

Submission:

GeneDx
Classification: Uncertain significance. Last evaluated: 2023-01-20. Review status: criteria provided, single submitter. Criteria: GeneDx Variant Classification Process June 2021. Collection method: clinical testing. Allele origin: germline. Affected: yes.
Comment: Not observed at significant frequency in large population cohorts (gnomAD); In silico analysis supports that this missense variant has a deleterious effect on protein structure/function; Has not been previously published as pathogenic or benign to our knowledge